The following is an entry in ClinVar:

NM_001160148.2(DDHD1):c.1217C>T (p.Thr406Ile)

Gene: DDHD1 (DDHD domain containing 1; minus strand). Cytogenetic location: 14q22.1.
Variant type: single nucleotide variant.
Coding change: c.1217C>T on transcript NM_001160148.2 (MANE Select); coding-DNA position 1217, C replaced by T.
Protein change: p.Thr406Ile; replaces threonine 406 with isoleucine.
Molecular consequence: missense variant.
Genome position (GRCh38, 1-based): chr14:53,091,857, G>A on the plus strand (C>T on the coding strand, the complement: DDHD1 is on the minus strand). VCF-style: chr14-53091857-G-A. GRCh37 (hg19) VCF-style: chr14-53558575-G-A.
Other names: c.1238C>T, p.Thr413Ile (NM_001160147.2); c.1217C>T, p.Thr406Ile (NM_030637.3); c.1217C>T (NM_001160148.1); short protein forms T406I, T413I.
Identifiers: ClinVar variation 1964832 (VCV001964832.4), dbSNP rs142005917, ClinGen allele CA7191298.

ClinVar aggregate classification (germline): Uncertain significance. Review status: criteria provided, multiple submitters, no conflicts (2 of 4 stars). 2 submissions from 2 submitters: Uncertain significance (2). Last evaluated 2023-03-14.

Conditions:
Inborn genetic diseases. Identifiers: MedGen C0950123, MeSH D030342.
Hereditary spastic paraplegia 28. Also called: Spastic paraplegia 28, autosomal recessive. Identifiers: Orphanet 101008, MedGen C1836295, MONDO:0012256, OMIM 609340.

Allele frequency attached by ClinVar (database versions not stated): ExAC 0.00001; gnomAD exomes 0.00001; gnomAD 0.00011; TOPMed 0.00011; ESP Exome Variant Server 0.00038.
gnomAD v4.1: 25 of 1,613,686 alleles (0.0015%); highest among the groups gnomAD compares: African/African-American, 0.032%; no homozygotes.

Submissions (2):

Ambry Genetics
Classification: Uncertain significance for Inborn genetic diseases. Last evaluated: 2023-03-14. Review status: criteria provided, single submitter. Criteria: Ambry Variant Classification Scheme 2023. Collection method: clinical testing. Allele origin: germline.

Labcorp Genetics (formerly Invitae), Labcorp
Classification: Uncertain significance for Hereditary spastic paraplegia 28. Last evaluated: 2022-02-22. Review status: criteria provided, single submitter. Criteria: Invitae Variant Classification Sherloc (09022015). Collection method: clinical testing. Allele origin: germline.
Comment: This sequence change replaces threonine, which is neutral and polar, with isoleucine, which is neutral and non-polar, at codon 413 of the DDHD1 protein (p.Thr413Ile). This variant is present in population databases (rs142005917, gnomAD 0.02%). This variant has not been reported in the literature in individuals affected with DDHD1-related conditions. Algorithms developed to predict the effect of missense changes on protein structure and function are either unavailable or do not agree on the potential impact of this missense change (SIFT: "Deleterious"; PolyPhen-2: "Benign"; Align-GVGD: "Class C15"). In summary, the available evidence is currently insufficient to determine the role of this variant in disease. Therefore, it has been classified as a Variant of Uncertain Significance.